The following is an entry in ClinVar:

ClinVar aggregate classification (germline): Uncertain significance. Review status: criteria provided, multiple submitters, no conflicts (2 of 4 stars). 3 submissions from 3 submitters: Uncertain significance (3). Last evaluated 2025-12-17.

Conditions:
Hereditary cancer-predisposing syndrome. Also called: Neoplastic Syndromes, Hereditary; Hereditary neoplastic syndrome; Tumor predisposition; Hereditary Cancer Syndrome. Identifiers: Orphanet 140162, MedGen C0027672, MeSH D009386, MONDO:0015356.
Rhabdoid tumor predisposition syndrome 2 (RTPS2). Identifiers: Orphanet 231108, Orphanet 69077, MedGen C2750074, MONDO:0013224, OMIM 613325.

Allele frequency attached by ClinVar (database versions not stated): ExAC 0.00001; gnomAD exomes 0.00001; ESP Exome Variant Server 0.00008.
gnomAD v4.1: 4 of 1,613,500 alleles (0.00025%); highest among the groups gnomAD compares: East Asian, 0.0022%; 1 homozygote.

Submissions (3):

Ambry Genetics
Classification: Uncertain significance for Hereditary cancer-predisposing syndrome. Last evaluated: 2025-12-17. Review status: criteria provided, single submitter. Criteria: Ambry Variant Classification Scheme 2023. Collection method: clinical testing. Allele origin: germline.
Comment: The p.G10R variant (also known as c.28G>A), located in coding exon 1 of the SMARCA4 gene, results from a G to A substitution at nucleotide position 28. The glycine at codon 10 is replaced by arginine, an amino acid with dissimilar properties. This amino acid position is well conserved in available vertebrate species. In addition, this alteration is predicted to be deleterious by in silico analysis. Based on the available evidence, the clinical significance of this variant remains unclear.

Labcorp Genetics (formerly Invitae), Labcorp
Classification: Uncertain significance for Rhabdoid tumor predisposition syndrome 2. Last evaluated: 2024-07-27. Review status: criteria provided, single submitter. Criteria: Invitae Variant Classification Sherloc (09022015). Collection method: clinical testing. Allele origin: germline.
Comment: This sequence change replaces glycine, which is neutral and non-polar, with arginine, which is basic and polar, at codon 10 of the SMARCA4 protein (p.Gly10Arg). This variant is present in population databases (rs140176945, gnomAD 0.003%). This variant has not been reported in the literature in individuals affected with SMARCA4-related conditions. ClinVar contains an entry for this variant (Variation ID: 666056). Advanced modeling of protein sequence and biophysical properties (such as structural, functional, and spatial information, amino acid conservation, physicochemical variation, residue mobility, and thermodynamic stability) has been performed at Invitae for this missense variant, however the output from this modeling did not meet the statistical confidence thresholds required to predict the impact of this variant on SMARCA4 protein function. In summary, the available evidence is currently insufficient to determine the role of this variant in disease. Therefore, it has been classified as a Variant of Uncertain Significance.

Baylor Genetics
Classification: Uncertain significance for Rhabdoid tumor predisposition syndrome 2. Last evaluated: 2024-03-13. Review status: criteria provided, single submitter. Criteria: ACMG Guidelines, 2015. Collection method: clinical testing. Allele origin: unknown.

NM_003072.5(SMARCA4):c.28G>A (p.Gly10Arg)

Gene: SMARCA4 (SWI/SNF related BAF chromatin remodeling complex subunit ATPase 4; plus strand). Cytogenetic location: 19p13.2.
Variant type: single nucleotide variant.
Coding change: c.28G>A on transcript NM_003072.5 (MANE Select); coding-DNA position 28, G replaced by A.
Protein change: p.Gly10Arg; replaces glycine 10 with arginine.
Molecular consequence: missense variant. On other transcripts: non-coding transcript variant (1).
Genome position (GRCh38, 1-based): chr19:10,984,179, G>A. VCF-style: chr19-10984179-G-A. GRCh37 (hg19) VCF-style: chr19-11094855-G-A.
Other names: c.28G>A, p.Gly10Arg (NM_001128844.3, NM_001128845.2, NM_001128846.2 and 5 more transcripts); short protein forms G10R.
Identifiers: ClinVar variation 666056 (VCV000666056.12), dbSNP rs140176945, ClinGen allele CA9203384.
Genomic context (GRCh38, chr19:10,984,179, plus strand): 5'-AGCAGGAGGCCACTGTCTGCAGCTCCCGTGAAGATGTCCACTCCAGACCCACCCCTGGGC[G>A]GAACTCCTCGGCCAGGTCCTTCCCCGGGCCCTGGCCCTTCCCCTGGAGCCATGCTGGGCC-3'
Protein context (NP_003063.2, residues 1-20): MSTPDPPLG[Gly10Arg]TPRPGPSPGP